The following is an entry in ClinVar:

ClinVar aggregate classification (germline): Uncertain significance (1 of 4 stars; one submission).

Conditions:
Cystic fibrosis (CF). Also called: MUCOVISCIDOSIS. Identifiers: Orphanet 586, MedGen C0010674, MONDO:0009061, OMIM 219700. Disease mechanism: loss of function.

Allele frequency attached by ClinVar (database versions not stated): 1000 Genomes Project 0.00020; TOPMed 0.00003; gnomAD 0.00004; 1000 Genomes Project 30x 0.00031.
gnomAD v4.1: 6 of 152,188 alleles (0.0039%); highest among the groups gnomAD compares: Non-Finnish European, 0.0059%; no homozygotes.

Submission:

Johns Hopkins Genomics, Johns Hopkins University
Classification: Uncertain significance for Cystic fibrosis. Last evaluated: 2021-11-11. Review status: criteria provided, single submitter. Criteria: ACMG Guidelines, 2015. Collection method: clinical testing. Allele origin: germline.
Comment: This intronic CFTR variant (rs187146610) is present in a large population dataset (gnomAD: 1/31382 total alleles; 0.003187%; no homozygotes). It has not been reported in ClinVar nor the literature, to our knowledge. Two bioinformatic tools predicts that this variant may increase the strength of a cryptic splice acceptor site, however, this has not been assessed experimentally to our knowledge. We consider the clinical significance of c.1585-2061G>C to be uncertain at this time.

NM_000492.4(CFTR):c.1585-2061G>C

Gene: CFTR (CF transmembrane conductance regulator; plus strand). Cytogenetic location: 7q31.2.
Variant type: single nucleotide variant.
Coding change: c.1585-2061G>C on transcript NM_000492.4 (MANE Select); 2061 bases into the intron before coding-DNA position 1585, G replaced by C.
Molecular consequence: intron variant.
Genome position (GRCh38, 1-based): chr7:117,585,678, G>C. VCF-style: chr7-117585678-G-C. GRCh37 (hg19) VCF-style: chr7-117225732-G-C.
Identifiers: ClinVar variation 1331707 (VCV001331707.1), dbSNP rs187146610, ClinGen allele CA164944093.
Genomic context (GRCh38, chr7:117,585,678, plus strand): 5'-GATTTAAGTGTTTTTTGTTTGTTTGTTTTGTTTTGTTTTTTAGATATTGAGTCTTGCTCT[G>C]TCATCCAGGCTGCAGTGCAGTGGTGTGATCATAGCTCGCTATAGCCTCGAATTCCTGGGT-3'